The following is an entry in ClinVar:

NM_001379110.1(SLC9A6):c.1826G>A (p.Ser609Asn)

Gene: SLC9A6 (solute carrier family 9 member A6; plus strand). Cytogenetic location: Xq26.3.
Variant type: single nucleotide variant.
Coding change: c.1826G>A on transcript NM_001379110.1 (MANE Select); coding-DNA position 1826, G replaced by A.
Protein change: p.Ser609Asn; replaces serine 609 with asparagine.
Molecular consequence: missense variant.
Genome position (GRCh38, 1-based): chrX:136,044,510, G>A. VCF-style: chrX-136044510-G-A. GRCh37 (hg19) VCF-style: chrX-135126669-G-A.
Other names: c.1892G>A, p.Ser631Asn (NM_001042537.2); c.1736G>A, p.Ser579Asn (NM_001177651.2); c.1640G>A, p.Ser547Asn (NM_001330652.2); c.1796G>A, p.Ser599Asn (NM_006359.3); short protein forms S609N, S547N, S579N, S599N, S631N.
Identifiers: ClinVar variation 1377022 (VCV001377022.8), dbSNP rs1401623269, ClinGen allele CA414756746.

ClinVar aggregate classification (germline): Uncertain significance (1 of 4 stars; one submission).

Conditions:
Christianson syndrome (MRXSCH). Also called: SLC9A6-Related Syndromic Mental Retardation; X-linked mental retardation, syndromic, Christianson type; INTELLECTUAL DEVELOPMENTAL DISORDER, X-LINKED, SYNDROMIC, CHRISTIANSON TYPE. Identifiers: Orphanet 85278, MedGen C2678194, MONDO:0010278, OMIM 300243.

Submission:

Labcorp Genetics (formerly Invitae), Labcorp
Classification: Uncertain significance for Christianson syndrome. Last evaluated: 2024-11-18. Review status: criteria provided, single submitter. Criteria: Invitae Variant Classification Sherloc (09022015). Collection method: clinical testing. Allele origin: germline.
Comment: This sequence change replaces serine, which is neutral and polar, with asparagine, which is neutral and polar, at codon 599 of the SLC9A6 protein (p.Ser599Asn). This variant is not present in population databases (gnomAD no frequency). This variant has not been reported in the literature in individuals affected with SLC9A6-related conditions. ClinVar contains an entry for this variant (Variation ID: 1377022). Invitae Evidence Modeling of protein sequence and biophysical properties (such as structural, functional, and spatial information, amino acid conservation, physicochemical variation, residue mobility, and thermodynamic stability) indicates that this missense variant is not expected to disrupt SLC9A6 protein function with a negative predictive value of 80%. In summary, the available evidence is currently insufficient to determine the role of this variant in disease. Therefore, it has been classified as a Variant of Uncertain Significance.